The following is an entry in ClinVar:

NM_002528.7(NTHL1):c.230del (p.Pro77fs)

Gene: NTHL1 (nth like DNA glycosylase 1; minus strand). Cytogenetic location: 16p13.3.
Variant type: Deletion.
Coding change: c.230del on transcript NM_002528.7 (MANE Select); coding-DNA position 230, one base deleted (C; older notation c.230delC).
Protein change: p.Pro77fs; shifts the reading frame from proline 77.
Molecular consequence: frameshift variant. On other transcripts: intron variant (1).
Genome position (GRCh38, 1-based): chr16:2,046,252, G deleted on the plus strand (C on the coding strand, the reverse complement: NTHL1 is on the minus strand); the first of 2 consecutive G bases (chr16:2,046,252-2,046,253); deleting either gives the same sequence. VCF-style (leftmost placement, unchanged base first): chr16-2046251-TG-T. GRCh37 (hg19) VCF-style: chr16-2096252-TG-T.
Other names: c.230del, p.Pro77fs (NM_001318193.2); c.24+28del (NM_001318194.2); short protein forms P77fs.
Identifiers: ClinVar variation 4719415 (VCV004719415.1).

ClinVar aggregate classification (germline): Pathogenic (1 of 4 stars; one submission).

Submission:

Labcorp Genetics (formerly Invitae), Labcorp
Classification: Pathogenic. Last evaluated: 2025-05-12. Review status: criteria provided, single submitter. Criteria: Invitae Variant Classification Sherloc (09022015). Collection method: clinical testing. Allele origin: germline.
Comment: This sequence change creates a premature translational stop signal (p.Pro85Glnfs*18) in the NTHL1 gene. It is expected to result in an absent or disrupted protein product. Loss-of-function variants in NTHL1 are known to be pathogenic (PMID: 25938944, 26559593). This variant is not present in population databases (gnomAD no frequency). This variant has not been reported in the literature in individuals affected with NTHL1-related conditions. For these reasons, this variant has been classified as Pathogenic.

Literature cited by the submitters: PubMed 25938944; PubMed 26559593.